The following is an entry in ClinVar:

NM_005529.7(HSPG2):c.8316+1G>T

Gene: HSPG2 (heparan sulfate proteoglycan 2; minus strand). Cytogenetic location: 1p36.12.
Variant type: single nucleotide variant.
Coding change: c.8316+1G>T on transcript NM_005529.7 (MANE Select); the canonical splice donor site of the intron after coding-DNA position 8316, G replaced by T.
Molecular consequence: splice donor variant.
Genome position (GRCh38, 1-based): chr1:21,846,447, C>A on the plus strand (G>T on the coding strand, the complement: HSPG2 is on the minus strand). VCF-style: chr1-21846447-C-A. GRCh37 (hg19) VCF-style: chr1-22172940-C-A.
Other names: c.8319+1G>T (NM_001291860.2).
Identifiers: ClinVar variation 2784659 (VCV002784659.3), dbSNP rs927473035, ClinGen allele CA338918964.

ClinVar aggregate classification (germline): Likely pathogenic (1 of 4 stars; one submission).

gnomAD v4.1: 2 of 1,613,342 alleles (0.00012%); highest among the groups gnomAD compares: African/African-American, 0.0027%; no homozygotes.

Submission:

Labcorp Genetics (formerly Invitae), Labcorp
Classification: Likely pathogenic. Last evaluated: 2024-01-02. Review status: criteria provided, single submitter. Criteria: Invitae Variant Classification Sherloc (09022015). Collection method: clinical testing. Allele origin: germline.
Comment: This sequence change affects a donor splice site in intron 63 of the HSPG2 gene. It is expected to disrupt RNA splicing. Variants that disrupt the donor or acceptor splice site typically lead to a loss of protein function (PMID: 16199547), and loss-of-function variants in HSPG2 are known to be pathogenic (PMID: 11279527, 16927315, 20542149, 23836246). This variant is not present in population databases (gnomAD no frequency). This variant has not been reported in the literature in individuals affected with HSPG2-related conditions. Algorithms developed to predict the effect of sequence changes on RNA splicing suggest that this variant may disrupt the consensus splice site. In summary, the currently available evidence indicates that the variant is pathogenic, but additional data are needed to prove that conclusively. Therefore, this variant has been classified as Likely Pathogenic.

Literature cited by the submitters: PubMed 16199547; PubMed 11279527; PubMed 16927315; PubMed 20542149; PubMed 23836246.